The following is an entry in ClinVar:

NM_001366385.1(CARD14):c.2421C>T (p.Ala807=)

Genes: CARD14 (caspase recruitment domain family member 14; plus strand), SGSH (N-sulfoglucosamine sulfohydrolase; minus strand), LOC126862662 (MED14-independent group 3 enhancer GRCh37_chr17:78178385-78179584; plus strand). Cytogenetic location: 17q25.3.
Variant type: single nucleotide variant.
Coding change: c.2421C>T on transcript NM_001366385.1 (MANE Select); coding-DNA position 2421, C replaced by T.
Protein change: p.Ala807=; no amino-acid change (alanine 807 retained).
Molecular consequence: synonymous variant. On other transcripts: non-coding transcript variant (1).
Genome position (GRCh38, 1-based): chr17:80,205,057, C>T. VCF-style: chr17-80205057-C-T. GRCh37 (hg19) VCF-style: chr17-78178856-C-T.
Other names: c.2421C>T, p.Ala807= (NM_024110.4).
Identifiers: ClinVar variation 1159452 (VCV001159452.34), dbSNP rs770965110, ClinGen allele CA8817324.
Genomic context (GRCh38, chr17:80,205,057, plus strand): 5'-CGCAGCCTCACCCACCCTCAGGATCCTCTCCTCCACAGGCTCCAGCACGTGCTTCTGGGC[C>T]GAGAGCTGCCTCACCCTGGTGCCCTATACCCTGGTGCGGCCCCATCGACCCGCCCGGCCC-3'
Protein context (NP_001353314.1, residues 797-817): RMEGSSTCFW[Ala807=]ESCLTLVPYT

ClinVar aggregate classification (germline): Likely benign. Review status: criteria provided, multiple submitters, no conflicts (2 of 4 stars). 3 submissions from 3 submitters: Likely benign (3). Last evaluated 2025-12-14.

Conditions:
Psoriasis 2. Identifiers: MedGen C1864497, MONDO:0011269, OMIM 602723.
Pityriasis rubra pilaris (PRP). Also called: Pityriasis rubra pilaris--familial type. Identifiers: Orphanet 2897, MedGen C0032027, MONDO:0100017, OMIM 173200, MONDO:0008251.

Allele frequency attached by ClinVar (database versions not stated): TOPMed 0.00003; gnomAD 0.00004.
gnomAD v4.1: 134 of 1,604,498 alleles (0.0084%); highest among the groups gnomAD compares: Non-Finnish European, 0.011%; no homozygotes.

Submissions (3):

Labcorp Genetics (formerly Invitae), Labcorp
Classification: Likely benign for Pityriasis rubra pilaris; Psoriasis 2. Last evaluated: 2025-12-14. Review status: criteria provided, single submitter. Criteria: Invitae Variant Classification Sherloc (09022015). Collection method: clinical testing. Allele origin: germline.

Blueprint Genetics
Classification: Likely benign. Last evaluated: 2024-04-05. Review status: criteria provided, single submitter. Criteria: ACMG Guidelines, 2015. Collection method: clinical testing. Allele origin: germline.

CeGaT Center for Human Genetics Tuebingen
Classification: Likely benign. Last evaluated: 2022-11-01. Review status: criteria provided, single submitter. Criteria: CeGaT Center For Human Genetics Tuebingen Variant Classification Criteria Version 2. Collection method: clinical testing. Allele origin: germline. Affected: yes. Observed: 1 variant allele.
Comment: CARD14: BP4, BP7